The following is an entry in ClinVar:

NM_001386140.1(MTTP):c.61+2T>C

Gene: MTTP (microsomal triglyceride transfer protein; plus strand). Cytogenetic location: 4q23.
Variant type: single nucleotide variant.
Coding change: c.61+2T>C on transcript NM_001386140.1 (MANE Select); the canonical splice donor site of the intron after coding-DNA position 61, T replaced by C.
Molecular consequence: splice donor variant. On other transcripts: intron variant (1).
Genome position (GRCh38, 1-based): chr4:99,574,972, T>C. VCF-style: chr4-99574972-T-C. GRCh37 (hg19) VCF-style: chr4-100496129-T-C.
Other names: c.61+2T>C (NM_000253.4); c.-188-6933T>C (NM_001300785.2).
Identifiers: ClinVar variation 3377094 (VCV003377094.1).

ClinVar aggregate classification (germline): Likely pathogenic (1 of 4 stars; one submission).

Conditions:
Abetalipoproteinaemia (ABL). Also called: Abetalipoproteinemia; Abetalipoproteinemia neuropathy; Apolipoprotein B deficiency; Congenital betalipoprotein deficiency syndrome; MTP DEFICIENCY. Identifiers: Orphanet 14, MedGen C0000744, MONDO:0008692, OMIM 200100, HP:0008181.

gnomAD v4.1: 13 of 1,614,102 alleles (0.00081%); highest among the groups gnomAD compares: Non-Finnish European, 0.0011%; no homozygotes.

Submission:

Victorian Clinical Genetics Services, Murdoch Childrens Research Institute
Classification: Likely pathogenic for Abetalipoproteinaemia. Last evaluated: 2024-10-09. Review status: criteria provided, single submitter. Criteria: ACMG Guidelines, 2015. Collection method: clinical testing. Allele origin: germline. Inheritance: Autosomal recessive inheritance. Affected: yes.
Comment: Based on the classification scheme VCGS_Germline_v1.3.4, this variant is classified as Likely Pathogenic. Following criteria are met: 0102 - Loss of function is a known mechanism of disease in this gene and is associated with abetalipoproteinaemia (MIM#200100). (I) 0106 - This gene is associated with autosomal recessive disease. (I) 0115 - Variants in this gene are known to have variable expressivity. Mild cases of of abetalipoproteinaemia have been reported (PMID: 17132287, 16143868). (I) 0211 - Canonical splice site variant without proven consequence on splicing (no functional evidence available). (SP) 0251 - This variant is heterozygous. (I) 0301 - Variant is absent from gnomAD (both v2 and v3). (SP) 0508 - In silico predictions for abnormal splicing are conflicting. (I) 0704 - Another canonical splice variant comparable to the one identified in this case has limited previous evidence for pathogenicity. c.61+1G>C has been reported once in a compound heterozygous individual with mild abetalipoproteinaemia (PMID: 16143868). (SP) 0803 - This variant has limited previous evidence of pathogenicity in an unrelated individual. It has been reported once in a compound heterozygous individual affected with mild abetalipoproteinaemia (PMID: 17132287). (SP) 0905 - No published segregation evidence has been identified for this variant. (I) 1007 - No published functional evidence has been identified for this variant. (I) 1102 - Strong phenotype match for this individual. (I) Legend: (SP) - Supporting pathogenic, (I) - Information, (SB) - Supporting benign

Literature cited by the submitters: PubMed 16143868; PubMed 17132287.